The following is an entry in ClinVar:

NM_212482.4(FN1):c.6577G>A (p.Gly2193Ser)

Gene: FN1 (fibronectin 1; minus strand). Cytogenetic location: 2q35.
Variant type: single nucleotide variant.
Coding change: c.6577G>A on transcript NM_212482.4 (MANE Select); coding-DNA position 6577, G replaced by A.
Protein change: p.Gly2193Ser; replaces glycine 2193 with serine.
Molecular consequence: missense variant. On other transcripts: intron variant (10).
Genome position (GRCh38, 1-based): chr2:215,372,046, C>T on the plus strand (G>A on the coding strand, the complement: FN1 is on the minus strand). VCF-style: chr2-215372046-C-T. GRCh37 (hg19) VCF-style: chr2-216236769-C-T.
Other names: c.6577G>A (NM_212482.1); c.6307G>A, p.Gly2103Ser (NM_001365517.2); c.6304G>A, p.Gly2102Ser (NM_001365518.2); c.6232G>A, p.Gly2078Ser (NM_001365519.2); c.6229G>A, p.Gly2077Ser (NM_001365520.2); c.5959G>A, p.Gly1987Ser (NM_001365523.2); c.6034G>A, p.Gly2012Ser (NM_212476.3); c.5705-31G>A (NM_212474.3); and 9 more; short protein forms G2078S, G2102S, G1987S, G2012S, G2077S, G2103S, G2193S.
Identifiers: ClinVar variation 1916520 (VCV001916520.6), dbSNP rs775537486, ClinGen allele CA2093818.

ClinVar aggregate classification (germline): Uncertain significance. Review status: criteria provided, multiple submitters, no conflicts (2 of 4 stars). 2 submissions from 2 submitters: Uncertain significance (2). Last evaluated 2024-09-01.

Conditions:
Inborn genetic diseases. Identifiers: MedGen C0950123, MeSH D030342.

Allele frequency attached by ClinVar (database versions not stated): gnomAD 0.00001; ExAC 0.00002.
gnomAD v4.1: 74 of 1,614,044 alleles (0.0046%); highest among the groups gnomAD compares: East Asian, 0.13%; 1 homozygote.

Submissions (2):

Labcorp Genetics (formerly Invitae), Labcorp
Classification: Uncertain significance. Last evaluated: 2024-09-01. Review status: criteria provided, single submitter. Criteria: Invitae Variant Classification Sherloc (09022015). Collection method: clinical testing. Allele origin: germline.
Comment: This sequence change replaces glycine, which is neutral and non-polar, with serine, which is neutral and polar, at codon 2193 of the FN1 protein (p.Gly2193Ser). This variant is present in population databases (rs775537486, gnomAD 0.01%). This variant has not been reported in the literature in individuals affected with FN1-related conditions. ClinVar contains an entry for this variant (Variation ID: 1916520). An algorithm developed to predict the effect of missense changes on protein structure and function (PolyPhen-2) suggests that this variant is likely to be tolerated. In summary, the available evidence is currently insufficient to determine the role of this variant in disease. Therefore, it has been classified as a Variant of Uncertain Significance.

Ambry Genetics
Classification: Uncertain significance for Inborn genetic diseases. Last evaluated: 2023-12-12. Review status: criteria provided, single submitter. Criteria: Ambry Variant Classification Scheme 2023. Collection method: clinical testing. Allele origin: germline.